The following is an entry in ClinVar:

NM_001384732.1(CPLANE1):c.6903G>C (p.Lys2301Asn)

Gene: CPLANE1 (ciliogenesis and planar polarity effector complex subunit 1; minus strand). Cytogenetic location: 5p13.2.
Variant type: single nucleotide variant.
Coding change: c.6903G>C on transcript NM_001384732.1 (MANE Select); coding-DNA position 6903, G replaced by C.
Protein change: p.Lys2301Asn; replaces lysine 2301 with asparagine.
Molecular consequence: missense variant.
Genome position (GRCh38, 1-based): chr5:37,169,121, C>G on the plus strand (G>C on the coding strand, the complement: CPLANE1 is on the minus strand). VCF-style: chr5-37169121-C-G. GRCh37 (hg19) VCF-style: chr5-37169223-C-G.
Other names: c.6903G>C, p.Lys2301Asn (NM_023073.4); c.6903G>C (NM_023073.3); short protein forms K2301N.
Identifiers: ClinVar variation 1448918 (VCV001448918.6), dbSNP rs765445066, ClinGen allele CA3238170.
Genomic context (GRCh38, chr5:37,169,121, plus strand): 5'-AACATATTGATCCAAGTTCACATGATTAGGAATTTCTGTAATTACAGTTTCTGCCCACGT[C>G]TTCTGCTCAACTTCTTTTTTTCTGGCTTCAGTGTTATACTGGCTTACATTCAAATGGGAT-3'
Protein context (NP_001371661.1, residues 2291-2311): TEARKKEVEQ[Lys2301Asn]TWAETVITEI

ClinVar aggregate classification (germline): Uncertain significance. Review status: criteria provided, multiple submitters, no conflicts (2 of 4 stars). 2 submissions from 2 submitters: Uncertain significance (2). Last evaluated 2024-04-17.

Conditions:
Joubert syndrome 17 (JBTS17). Identifiers: Orphanet 475, MedGen C3553264, MONDO:0013824, OMIM 614615.
Orofaciodigital syndrome type 6 (OFD6). Also called: Oral-facial-digital syndrome type 6; Central polydactyly cleft lip/palate or lingual lump and psychomotor retardation; Y-shaped central metacarpal and cerebellar defect; Joubert syndrome with orofacialdigital anomalies; OROFACIODIGITAL SYNDROME VI; OFDS VI. Identifiers: Orphanet 2754, MedGen C2745997, MONDO:0010176, OMIM 277170.

Allele frequency attached by ClinVar (database versions not stated): ExAC 0.00001; gnomAD 0.00003 and 0.00004; TOPMed 0.00004.
gnomAD v4.1: 7 of 1,614,060 alleles (0.00043%); highest among the groups gnomAD compares: Admixed American, 0.01%; no homozygotes.

Submissions (2):

Fulgent Genetics
Classification: Uncertain significance for Orofaciodigital syndrome type 6; Joubert syndrome 17. Last evaluated: 2024-04-17. Review status: criteria provided, single submitter. Criteria: ACMG Guidelines, 2015. Collection method: clinical testing. Allele origin: germline.

Labcorp Genetics (formerly Invitae), Labcorp
Classification: Uncertain significance. Last evaluated: 2022-06-13. Review status: criteria provided, single submitter. Criteria: Invitae Variant Classification Sherloc (09022015). Collection method: clinical testing. Allele origin: germline.
Comment: This sequence change replaces lysine, which is basic and polar, with asparagine, which is neutral and polar, at codon 2301 of the CPLANE1 protein (p.Lys2301Asn). This variant is present in population databases (rs765445066, gnomAD no frequency). This variant has not been reported in the literature in individuals affected with CPLANE1-related conditions. Advanced modeling of protein sequence and biophysical properties (such as structural, functional, and spatial information, amino acid conservation, physicochemical variation, residue mobility, and thermodynamic stability) performed at Invitae indicates that this missense variant is not expected to disrupt CPLANE1 protein function. In summary, the available evidence is currently insufficient to determine the role of this variant in disease. Therefore, it has been classified as a Variant of Uncertain Significance.